The following is an entry in ClinVar:

ClinVar aggregate classification (germline): Likely pathogenic. Review status: criteria provided, multiple submitters, no conflicts (2 of 4 stars). 2 submissions from 2 submitters: Likely pathogenic (2). Last evaluated 2025-03-18.

Conditions:
Bifunctional peroxisomal enzyme deficiency (DBIF). Also called: DBP DEFICIENCY; PBFE DEFICIENCY; D-bifunctional protein deficiency. Identifiers: Orphanet 300, MedGen C0342870, MONDO:0009855, OMIM 261515. Disease mechanism: loss of function.

Submissions (2):

Women's Health and Genetics/Laboratory Corporation of America, LabCorp
Classification: Likely pathogenic for Bifunctional peroxisomal enzyme deficiency. Last evaluated: 2025-03-18. Review status: criteria provided, single submitter. Criteria: LabCorp Variant Classification Summary - May 2015. Collection method: clinical testing. Allele origin: germline.
Comment: Variant summary: HSD17B4 c.1544A>G (p.His515Arg), also reported as H540R, results in a non-conservative amino acid change in the encoded protein sequence. Five of five in-silico tools predict a damaging effect of the variant on protein function. The variant was absent in 251020 control chromosomes. c.1544A>G has been reported in the homozygous state in the literature in at least 1 individual affected with D-Bifunctional Protein Deficiency (example, Savage_2020). These data indicate that the variant may be associated with disease. To our knowledge, no experimental evidence demonstrating an impact on protein function has been reported. Additionally, a different variant at the same codon (c.1545C>G, p.His515Gln) has been determined to be likely pathogenic/pathogenic at Labcorp, supporting the clinical relevance of this codon for HSD17B4 function. The following publications have been ascertained in the context of this evaluation (PMID: 36788231, 33115767). ClinVar contains an entry for this variant (Variation ID: 974782). Based on the evidence outlined above, the variant was classified as likely pathogenic.

Rady Children's Institute for Genomic Medicine, Rady Children's Hospital San Diego
Classification: Likely pathogenic for Bifunctional peroxisomal enzyme deficiency. Last evaluated: 2020-08-04. Review status: criteria provided, single submitter. Criteria: ACMG Guidelines, 2015. Collection method: clinical testing. Allele origin: germline. Inheritance: Autosomal recessive inheritance. Affected: yes. Observed: 1 homozygote.
Comment: This variant has not been previously reported or functionally characterized in the literature to our knowledge. It is absent from the ExAC and gnomAD population databases and thus is presumed to be rare. The c.1619A>G (p.His540Arg) variant affects a highly conserved amino acid and is predicted by multiple in silico tools to have a deleterious effect on protein function. This variant is located within a large region of homozysoity (ROH). Based on the available evidence, the c.1619A>G (p.His540Arg) variant is classified as Likely Pathogenic.

Literature cited by the submitters: PubMed 36788231 (cited by Women's Health and Genetics/Laboratory Corporation of America, LabCorp); PubMed 33115767 (cited by Women's Health and Genetics/Laboratory Corporation of America, LabCorp).

NM_000414.4(HSD17B4):c.1544A>G (p.His515Arg)

Gene: HSD17B4 (hydroxysteroid 17-beta dehydrogenase 4; plus strand). Cytogenetic location: 5q23.1.
Variant type: single nucleotide variant.
Coding change: c.1544A>G on transcript NM_000414.4 (MANE Select); coding-DNA position 1544, A replaced by G.
Protein change: p.His515Arg; replaces histidine 515 with arginine.
Molecular consequence: missense variant. On other transcripts: non-coding transcript variant (2).
Genome position (GRCh38, 1-based): chr5:119,525,256, A>G. VCF-style: chr5-119525256-A-G. GRCh37 (hg19) VCF-style: chr5-118860951-A-G.
Other names: c.1619A>G, p.His540Arg (NM_001199291.3); c.1490A>G, p.His497Arg (NM_001199292.2); c.1472A>G, p.His491Arg (NM_001292027.2, NM_001374498.1); c.1124A>G, p.His375Arg (NM_001292028.2); c.1535A>G, p.His512Arg (NM_001374497.1); c.1217A>G, p.His406Arg (NM_001374499.1); c.1103A>G, p.His368Arg (NM_001374500.1); c.1133A>G, p.His378Arg (NM_001374501.1, NM_001374502.1, NM_001374503.1); short protein forms H368R, H375R, H378R, H406R, H491R, H497R, H512R, H515R.
Identifiers: ClinVar variation 974782 (VCV000974782.2), dbSNP rs1753477498, ClinGen allele CA360869118.